The following is an entry in ClinVar:

ClinVar aggregate classification (germline): Uncertain significance (1 of 4 stars; one submission).

Conditions:
Congenital contractural arachnodactyly (CCA). Also called: Arthrogryposis, distal, type 9; BEALS SYNDROME; Beals-Hecht syndrome. Identifiers: Orphanet 115, MedGen C0220668, MONDO:0007363, OMIM 121050.

gnomAD v4.1: 1 of 1,614,024 alleles (0.000062%); highest among the groups gnomAD compares: Non-Finnish European, 0.000085%; no homozygotes.

Submission:

Labcorp Genetics (formerly Invitae), Labcorp
Classification: Uncertain significance for Congenital contractural arachnodactyly. Last evaluated: 2024-11-06. Review status: criteria provided, single submitter. Criteria: Invitae Variant Classification Sherloc (09022015). Collection method: clinical testing. Allele origin: germline.
Comment: This sequence change replaces aspartic acid, which is acidic and polar, with asparagine, which is neutral and polar, at codon 1692 of the FBN2 protein (p.Asp1692Asn). This variant also falls at the last nucleotide of exon 39, which is part of the consensus splice site for this exon. This variant is not present in population databases (gnomAD no frequency). This variant has not been reported in the literature in individuals affected with FBN2-related conditions. An algorithm developed to predict the effect of missense changes on protein structure and function (PolyPhen-2) suggests that this variant is likely to be tolerated. Variants that disrupt the consensus splice site are a relatively common cause of aberrant splicing (PMID: 17576681, 9536098). Algorithms developed to predict the effect of sequence changes on RNA splicing suggest that this variant may disrupt the consensus splice site. In summary, the available evidence is currently insufficient to determine the role of this variant in disease. Therefore, it has been classified as a Variant of Uncertain Significance.

Literature cited by the submitters: PubMed 17576681; PubMed 9536098.

NM_001999.4(FBN2):c.5074G>A (p.Asp1692Asn)

Gene: FBN2 (fibrillin 2; minus strand). Cytogenetic location: 5q23.3.
Variant type: single nucleotide variant.
Coding change: c.5074G>A on transcript NM_001999.4 (MANE Select); coding-DNA position 5074, G replaced by A.
Protein change: p.Asp1692Asn; replaces aspartic acid 1692 with asparagine.
Molecular consequence: missense variant.
Genome position (GRCh38, 1-based): chr5:128,311,300, C>T on the plus strand (G>A on the coding strand, the complement: FBN2 is on the minus strand). VCF-style: chr5-128311300-C-T. GRCh37 (hg19) VCF-style: chr5-127646992-C-T.
Other names: short protein forms D1692N.
Identifiers: ClinVar variation 3719282 (VCV003719282.2).